The following is an entry in ClinVar:

NM_005989.4(AKR1D1):c.*1363A>G

Gene: AKR1D1 (aldo-keto reductase family 1 member D1; plus strand). Cytogenetic location: 7q33.
Variant type: single nucleotide variant.
Coding change: c.*1363A>G on transcript NM_005989.4 (MANE Select); 1363 bases downstream of the stop codon, A replaced by G.
Molecular consequence: 3 prime UTR variant.
Genome position (GRCh38, 1-based): chr7:138,118,025, A>G. VCF-style: chr7-138118025-A-G. GRCh37 (hg19) VCF-style: chr7-137802771-A-G.
Other names: c.*1363A>G (NM_001190906.2); c.*1388A>G (NM_001190907.2).
Identifiers: ClinVar variation 358996 (VCV000358996.6), dbSNP rs2465921, ClinGen allele CA10623307.

ClinVar aggregate classification (germline): Benign. Review status: criteria provided, multiple submitters, no conflicts (2 of 4 stars). 2 submissions from 2 submitters: Benign (2). Last evaluated 2018-01-12.

Conditions:
Congenital bile acid synthesis defect 2 (CBAS2). Also called: CHOLESTASIS WITH DELTA(4)-3-OXOSTEROID 5-BETA-REDUCTASE DEFICIENCY. Identifiers: Orphanet 79303, MedGen C1856127, MONDO:0009339, OMIM 235555.

Allele frequency attached by ClinVar (database versions not stated): 1000 Genomes Project 0.00659; TOPMed 0.01308; gnomAD 0.01452 and 0.01494.

Submissions (2):

Illumina Laboratory Services, Illumina
Classification: Benign for Congenital bile acid synthesis defect 2. Last evaluated: 2018-01-12. Review status: criteria provided, single submitter. Criteria: ICSL Variant Classification Criteria 13 December 2019. Collection method: clinical testing. Allele origin: germline.
Comment: This variant was observed in the ICSL laboratory as part of a predisposition screen in an ostensibly healthy population. It had not been previously curated by ICSL or reported in the Human Gene Mutation Database (HGMD: prior to June 1st, 2018), and was therefore a candidate for classification through an automated scoring system. Utilizing variant allele frequency, disease prevalence and penetrance estimates, and inheritance mode, an automated score was calculated to assess if this variant is too frequent to cause the disease. Based on the score and internal cut-off values, a variant classified as benign is not then subjected to further curation. The score for this variant resulted in a classification of benign for this disease.

Breakthrough Genomics
Classification: Benign. Review status: criteria provided, single submitter. Criteria: ACMG Guidelines, 2015. Collection method: not provided. Allele origin: germline. Inheritance: Autosomal recessive inheritance. Affected: yes.